The following is an entry in ClinVar:

NM_006946.4(SPTBN2):c.6874C>T (p.Arg2292Cys)

Gene: SPTBN2 (spectrin beta, non-erythrocytic 2; minus strand). Cytogenetic location: 11q13.2.
Variant type: single nucleotide variant.
Coding change: c.6874C>T on transcript NM_006946.4 (MANE Select); coding-DNA position 6874, C replaced by T.
Protein change: p.Arg2292Cys; replaces arginine 2292 with cysteine.
Molecular consequence: missense variant.
Genome position (GRCh38, 1-based): chr11:66,687,016, G>A on the plus strand (C>T on the coding strand, the complement: SPTBN2 is on the minus strand). VCF-style: chr11-66687016-G-A. GRCh37 (hg19) VCF-style: chr11-66454487-G-A.
Other names: c.6895C>T, p.Arg2299Cys (NM_001411025.1); short protein forms R2299C, R2292C.
Identifiers: ClinVar variation 2996806 (VCV002996806.3), dbSNP rs2495741487, ClinGen allele CA381454546.

ClinVar aggregate classification (germline): Uncertain significance (1 of 4 stars; one submission).

Allele frequency attached by ClinVar (database versions not stated): gnomAD exomes below 0.00001.
gnomAD v4.1: 2 of 1,614,002 alleles (0.00012%); highest among the groups gnomAD compares: South Asian, 0.0011%; no homozygotes.

Submission:

Labcorp Genetics (formerly Invitae), Labcorp
Classification: Uncertain significance. Last evaluated: 2024-01-09. Review status: criteria provided, single submitter. Criteria: Invitae Variant Classification Sherloc (09022015). Collection method: clinical testing. Allele origin: germline.
Comment: This sequence change replaces arginine, which is basic and polar, with cysteine, which is neutral and slightly polar, at codon 2292 of the SPTBN2 protein (p.Arg2292Cys). This variant is not present in population databases (gnomAD no frequency). This variant has not been reported in the literature in individuals affected with SPTBN2-related conditions. Advanced modeling of protein sequence and biophysical properties (such as structural, functional, and spatial information, amino acid conservation, physicochemical variation, residue mobility, and thermodynamic stability) performed at Invitae indicates that this missense variant is not expected to disrupt SPTBN2 protein function with a negative predictive value of 95%. In summary, the available evidence is currently insufficient to determine the role of this variant in disease. Therefore, it has been classified as a Variant of Uncertain Significance.